The following is an entry in ClinVar:

NM_021222.3(PRUNE1):c.933G>A (p.Thr311=)

Gene: PRUNE1 (prune exopolyphosphatase 1; plus strand). Cytogenetic location: 1q21.3.
Variant type: single nucleotide variant.
Coding change: c.933G>A on transcript NM_021222.3 (MANE Select); coding-DNA position 933, G replaced by A.
Protein change: p.Thr311=; no amino-acid change (threonine 311 retained).
Molecular consequence: synonymous variant. On other transcripts: non-coding transcript variant (1), intron variant (1).
Genome position (GRCh38, 1-based): chr1:151,028,944, G>A. VCF-style: chr1-151028944-G-A. GRCh37 (hg19) VCF-style: chr1-151001420-G-A.
Other names: c.387G>A, p.Thr129= (NM_001303229.2); c.330G>A, p.Thr110= (NM_001303243.2); c.774+1617G>A (NM_001303242.2).
Identifiers: ClinVar variation 978029 (VCV000978029.9), dbSNP rs747498357, ClinGen allele CA1083908.

ClinVar aggregate classification (germline): Conflicting classifications of pathogenicity. Review status: criteria provided, conflicting classifications (1 of 4 stars). 5 submissions from 5 submitters: Likely pathogenic (1); Uncertain significance (4). Last evaluated 2024-06-17.

Conditions:
PRUNE1-related disorder. Also called: PRUNE1-related condition.
Neurodevelopmental disorder with microcephaly, hypotonia, and variable brain anomalies (NMIHBA). Identifiers: Orphanet 544469, MedGen C4479566, MONDO:0060490, OMIM 617481.
Inborn genetic diseases. Identifiers: MedGen C0950123, MeSH D030342.

Allele frequency attached by ClinVar (database versions not stated): gnomAD exomes 0.00001 and 0.00002; ExAC 0.00002.
gnomAD v4.1: 11 of 1,611,258 alleles (0.00068%); highest among the groups gnomAD compares: South Asian, 0.0011%; no homozygotes.

Submissions (5):

Blueprint Genetics
Classification: Likely pathogenic for PRUNE1-related disorders. Last evaluated: 2024-06-17. Review status: criteria provided, single submitter. Criteria: ACMG Guidelines, 2015. Collection method: clinical testing. Allele origin: germline. Affected: yes. Observed: 3 variant alleles.

Genomic Medicine Center of Excellence, King Faisal Specialist Hospital and Research Centre
Classification: Uncertain significance for Neurodevelopmental disorder with microcephaly, hypotonia, and variable brain anomalies. Last evaluated: 2024-03-29. Review status: criteria provided, single submitter. Criteria: ACMG Guidelines, 2015. Collection method: clinical testing. Allele origin: germline.

Neuberg Centre For Genomic Medicine, NCGM
Classification: Uncertain significance for Neurodevelopmental disorder with microcephaly, hypotonia, and variable brain anomalies. Last evaluated: 2023-06-22. Review status: criteria provided, single submitter. Criteria: ACMG Guidelines, 2015. Collection method: clinical testing. Allele origin: germline. Inheritance: Autosomal recessive inheritance. Affected: yes.
Comment: The observed splice region / synonymous c.933G>A(p.Thr311) variant in PRUNE1 gene has been reported previously in homozygous state in individual(s) affected with neurodevelopmental disorder with microcephaly, hypotonia, and variable brain abnormalities (NMIHBA) (Magyar et al., 2022). This variant is reported with the allele frequency of 0.002% in the gnomAD Exomes. This variant has been reported to the ClinVar database as Uncertain Significance. This variant creates a cryptic splice site within exon 7 and causes abnormal gene splicing. The spliceAI tool predicts that this splice site variant is benign. This variant located in a mutational hot spot and/or critical and well-established functional domain without benign variation. For these reasons, this variant has been classified as Uncertain Significance.

Undiagnosed Diseases Network, NIH
Classification: Uncertain significance for Neurodevelopmental disorder with microcephaly, hypotonia, and variable brain anomalies. Last evaluated: 2019-10-11. Review status: criteria provided, single submitter. Criteria: ACMG Guidelines, 2015. Collection method: clinical testing. Allele origin: inherited. Inheritance: Autosomal recessive inheritance. Affected: yes. Observed: 1 variant allele, 1 homozygote. Study: Undiagnosed Diseases Network (NIH), UDN.

Ambry Genetics
Classification: Uncertain significance for Inborn genetic diseases. Last evaluated: 2019-09-20. Review status: criteria provided, single submitter. Criteria: Ambry exome assertion method (8-5-2015). Collection method: clinical testing. Allele origin: germline. Affected: yes. Observed: 1 variant allele.